The following is an entry in ClinVar:

ClinVar aggregate classification (germline): Uncertain significance. Review status: criteria provided, multiple submitters, no conflicts (2 of 4 stars). 2 submissions from 2 submitters: Uncertain significance (2). Last evaluated 2022-07-25.

Conditions:
Familial cancer of breast. Also called: hereditary breast carcinoma; Hereditary breast cancer; BREAST CANCER, FAMILIAL. Identifiers: Orphanet 227535, MedGen C0346153, MONDO:0016419, OMIM 114480. Disease mechanism: loss of function.
Fanconi anemia complementation group J. Also called: BRIP1-Related Fanconi Anemia. Identifiers: Orphanet 84, MedGen C1836860, MONDO:0012187, OMIM 609054.

Allele frequency attached by ClinVar (database versions not stated): TOPMed below 0.00001.

Submissions (2):

Labcorp Genetics (formerly Invitae), Labcorp
Classification: Uncertain significance for Familial cancer of breast; Fanconi anemia complementation group J. Last evaluated: 2022-07-25. Review status: criteria provided, single submitter. Criteria: Invitae Variant Classification Sherloc (09022015). Collection method: clinical testing. Allele origin: germline.
Comment: ClinVar contains an entry for this variant (Variation ID: 1516978). This variant has not been reported in the literature in individuals affected with BRIP1-related conditions. This variant is not present in population databases (gnomAD no frequency). This sequence change falls in intron 16 of the BRIP1 gene. It does not directly change the encoded amino acid sequence of the BRIP1 protein. Algorithms developed to predict the effect of sequence changes on RNA splicing suggest that this variant may disrupt the consensus splice site. In summary, the available evidence is currently insufficient to determine the role of this variant in disease. Therefore, it has been classified as a Variant of Uncertain Significance.

Baylor Genetics
Classification: Uncertain significance for Familial cancer of breast. Last evaluated: 2022-07-05. Review status: criteria provided, single submitter. Criteria: ACMG Guidelines, 2015. Collection method: clinical testing. Allele origin: unknown.

NM_032043.3(BRIP1):c.2380-20A>G

Gene: BRIP1 (BRCA1 interacting DNA helicase 1; minus strand). Cytogenetic location: 17q23.2.
Variant type: single nucleotide variant.
Coding change: c.2380-20A>G on transcript NM_032043.3 (MANE Select); 20 bases into the intron before coding-DNA position 2380, A replaced by G.
Molecular consequence: intron variant.
Genome position (GRCh38, 1-based): chr17:61,716,083, T>C on the plus strand (A>G on the coding strand, the complement: BRIP1 is on the minus strand). VCF-style: chr17-61716083-T-C. GRCh37 (hg19) VCF-style: chr17-59793444-T-C.
Identifiers: ClinVar variation 1516978 (VCV001516978.10), dbSNP rs977667900, ClinGen allele CA292261439.